The following is an entry in ClinVar:

ClinVar aggregate classification (germline): Uncertain significance. Review status: criteria provided, multiple submitters, no conflicts (2 of 4 stars). 2 submissions from 2 submitters: Uncertain significance (2). Last evaluated 2025-08-10.

Conditions:
Inborn genetic diseases. Identifiers: MedGen C0950123, MeSH D030342.

Allele frequency attached by ClinVar (database versions not stated): ExAC 0.00002; TOPMed 0.00002; ESP Exome Variant Server 0.00008.
gnomAD v4.1: 18 of 1,613,888 alleles (0.0011%); highest among the groups gnomAD compares: Non-Finnish European, 0.0014%; 1 homozygote.

Submissions (2):

Ambry Genetics
Classification: Uncertain significance for Inborn genetic diseases. Last evaluated: 2025-08-10. Review status: criteria provided, single submitter. Criteria: Ambry Variant Classification Scheme 2023. Collection method: clinical testing. Allele origin: germline.

Labcorp Genetics (formerly Invitae), Labcorp
Classification: Uncertain significance. Last evaluated: 2025-07-29. Review status: criteria provided, single submitter. Criteria: Invitae Variant Classification Sherloc (09022015). Collection method: clinical testing. Allele origin: germline.
Comment: This sequence change replaces arginine, which is basic and polar, with histidine, which is basic and polar, at codon 881 of the DCHS1 protein (p.Arg881His). This variant is present in population databases (rs372468355, gnomAD 0.003%). This variant has not been reported in the literature in individuals affected with DCHS1-related conditions. ClinVar contains an entry for this variant (Variation ID: 2902961). Invitae Evidence Modeling of protein sequence and biophysical properties (such as structural, functional, and spatial information, amino acid conservation, physicochemical variation, residue mobility, and thermodynamic stability) has been performed for this missense variant. However, the output from this modeling did not meet the statistical confidence thresholds required to predict the impact of this variant on DCHS1 protein function. In summary, the available evidence is currently insufficient to determine the role of this variant in disease. Therefore, it has been classified as a Variant of Uncertain Significance.

NM_003737.4(DCHS1):c.2642G>A (p.Arg881His)

Gene: DCHS1 (dachsous cadherin-related 1; minus strand). Cytogenetic location: 11p15.4.
Variant type: single nucleotide variant.
Coding change: c.2642G>A on transcript NM_003737.4 (MANE Select); coding-DNA position 2642, G replaced by A.
Protein change: p.Arg881His; replaces arginine 881 with histidine.
Molecular consequence: missense variant.
Genome position (GRCh38, 1-based): chr11:6,632,870, C>T on the plus strand (G>A on the coding strand, the complement: DCHS1 is on the minus strand). VCF-style: chr11-6632870-C-T. GRCh37 (hg19) VCF-style: chr11-6654101-C-T.
Other names: c.2642G>A (NM_003737.2); short protein forms R881H.
Identifiers: ClinVar variation 2902961 (VCV002902961.4), dbSNP rs372468355, ClinGen allele CA5860684.